The following is an entry in ClinVar:

ClinVar aggregate classification (germline): Uncertain significance. Review status: criteria provided, multiple submitters, no conflicts (2 of 4 stars). 3 submissions from 3 submitters: Uncertain significance (3). Last evaluated 2025-08-21.

Conditions:
Paroxysmal nonkinesigenic dyskinesia. Also called: Paroxysmal non-kinesigenic dyskinesia. Identifiers: Orphanet 98810, MedGen C1869117, MONDO:0700088.

Allele frequency attached by ClinVar (database versions not stated): TOPMed 0.00002; gnomAD 0.00003 and 0.00004.
gnomAD v4.1: 7 of 1,236,758 alleles (0.00057%); highest among the groups gnomAD compares: African/African-American, 0.0078%; no homozygotes.

Submissions (3):

Labcorp Genetics (formerly Invitae), Labcorp
Classification: Uncertain significance for Paroxysmal nonkinesigenic dyskinesia. Last evaluated: 2025-08-21. Review status: criteria provided, single submitter. Criteria: Invitae Variant Classification Sherloc (09022015). Collection method: clinical testing. Allele origin: germline.
Comment: This sequence change replaces alanine, which is neutral and non-polar, with threonine, which is neutral and polar, at codon 6 of the PNKD protein (p.Ala6Thr). This variant is present in population databases (no rsID available, gnomAD 0.009%). This variant has not been reported in the literature in individuals affected with PNKD-related conditions. This missense change has been observed in at least one individual who was not affected with PNKD-related conditions (internal data). ClinVar contains an entry for this variant (Variation ID: 536495). An algorithm developed to predict the effect of missense changes on protein structure and function (PolyPhen-2) suggests that this variant is likely to be disruptive. In summary, the available evidence is currently insufficient to determine the role of this variant in disease. Therefore, it has been classified as a Variant of Uncertain Significance.

GeneDx
Classification: Uncertain significance. Last evaluated: 2020-03-19. Review status: criteria provided, single submitter. Criteria: GeneDx Variant Classification Process June 2021. Collection method: clinical testing. Allele origin: germline. Affected: yes.
Comment: In silico analysis supports that this missense variant does not alter protein structure/function; Has not been previously published as pathogenic or benign to our knowledge

New York Genome Center
Classification: Uncertain significance. Last evaluated: 2019-06-11. Review status: criteria provided, single submitter. Criteria: NYGC Assertion Criteria 2020. Collection method: clinical testing. Allele origin: germline. Inheritance: Autosomal dominant inheritance. Affected: yes. Observed: 1 heterozygote. Study: CSER-NYCKidSeq.

NM_015488.5(PNKD):c.16G>A (p.Ala6Thr)

Genes: PNKD (PNKD metallo-beta-lactamase domain containing; plus strand), LOC129935594 (ATAC-STARR-seq lymphoblastoid active region 17117; plus strand). Cytogenetic location: 2q35.
Variant type: single nucleotide variant.
Coding change: c.16G>A on transcript NM_015488.5 (MANE Select); coding-DNA position 16, G replaced by A.
Protein change: p.Ala6Thr; replaces alanine 6 with threonine.
Molecular consequence: missense variant.
Genome position (GRCh38, 1-based): chr2:218,270,551, G>A. VCF-style: chr2-218270551-G-A. GRCh37 (hg19) VCF-style: chr2-219135274-G-A.
Other names: c.16G>A, p.Ala6Thr (NM_001077399.3); short protein forms A6T.
Identifiers: ClinVar variation 536495 (VCV000536495.11), dbSNP rs1023163176, ClinGen allele CA65747193.